The following is an entry in ClinVar:

ClinVar aggregate classification (germline): Benign/Likely benign. Review status: criteria provided, multiple submitters, no conflicts (2 of 4 stars). 6 submissions from 6 submitters: Benign (2); Likely benign (2). 2 of the submissions do not count toward it. Last evaluated 2025-12-24.

Conditions:
Hereditary cancer-predisposing syndrome. Also called: Neoplastic Syndromes, Hereditary; Hereditary neoplastic syndrome; Tumor predisposition; Hereditary Cancer Syndrome. Identifiers: Orphanet 140162, MedGen C0027672, MeSH D009386, MONDO:0015356.
Oligodontia-cancer predisposition syndrome. Also called: TOOTH AGENESIS-COLORECTAL CANCER SYNDROME. Identifiers: Orphanet 300576, MedGen C1837750, MONDO:0012075, OMIM 608615. Disease mechanism: loss of function.

Allele frequency attached by ClinVar (database versions not stated): gnomAD 0.00003 and 0.00004; TOPMed 0.00006; ExAC 0.00007; gnomAD exomes 0.00009.
gnomAD v4.1: 39 of 1,614,084 alleles (0.0024%); highest among the groups gnomAD compares: East Asian, 0.045%; no homozygotes.

Submissions (6):

Labcorp Genetics (formerly Invitae), Labcorp
Classification: Likely benign for Oligodontia-cancer predisposition syndrome. Last evaluated: 2025-12-24. Review status: criteria provided, single submitter. Criteria: Invitae Variant Classification Sherloc (09022015). Collection method: clinical testing. Allele origin: germline.

Myriad Genetics, Inc.
Classification: Benign for Oligodontia-cancer predisposition syndrome. Last evaluated: 2024-07-01. Review status: criteria provided, single submitter. Criteria: Myriad Autosomal Dominant, Autosomal Recessive and X-Linked Classification Criteria (2023). Collection method: clinical testing. Allele origin: unknown.
Comment: This variant is considered benign. This variant is a silent/synonymous amino acid change and it is not expected to impact splicing.

Ambry Genetics
Classification: Likely benign for Hereditary cancer-predisposing syndrome. Last evaluated: 2019-12-13. Review status: criteria provided, single submitter. Criteria: Ambry Variant Classification Scheme 2023. Collection method: clinical testing. Allele origin: germline.

GeneDx
Classification: Benign. Last evaluated: 2015-03-03. Review status: criteria provided, single submitter. Criteria: GeneDx Variant Classification Process June 2021. Collection method: clinical testing. Allele origin: germline. Affected: yes.

Clinical Genetics DNA and cytogenetics Diagnostics Lab, Erasmus MC, Erasmus Medical Center
Classification: Likely benign. Review status: no assertion criteria provided. Collection method: clinical testing. Allele origin: germline. Affected: yes. Study: VKGL Data-share Consensus. Not counted in ClinVar's aggregate classification.

Genome Diagnostics Laboratory, Amsterdam University Medical Center
Classification: Likely benign. Review status: no assertion criteria provided. Collection method: clinical testing. Allele origin: germline. Affected: yes. Study: VKGL Data-share Consensus. Not counted in ClinVar's aggregate classification.

NM_004655.4(AXIN2):c.1092C>T (p.Pro364=)

Gene: AXIN2 (axin 2; minus strand). Cytogenetic location: 17q24.1.
Variant type: single nucleotide variant.
Coding change: c.1092C>T on transcript NM_004655.4 (MANE Select); coding-DNA position 1092, C replaced by T.
Protein change: p.Pro364=; no amino-acid change (proline 364 retained).
Molecular consequence: synonymous variant.
Genome position (GRCh38, 1-based): chr17:65,538,311, G>A on the plus strand (C>T on the coding strand, the complement: AXIN2 is on the minus strand). VCF-style: chr17-65538311-G-A. GRCh37 (hg19) VCF-style: chr17-63534429-G-A.
Other names: c.1092C>T (LRG_296t1); c.1092C>T, p.Pro364= (NM_001363813.1).
Identifiers: ClinVar variation 239976 (VCV000239976.21), dbSNP rs765518896, ClinGen allele CA8718862.